The following is an entry in ClinVar:

NM_002769.5(PRSS1):c.539_540insACA (p.Thr180_Ser181insHis)

Genes: PRSS1 (serine protease 1; plus strand), TRB (T cell receptor beta locus; plus strand). Cytogenetic location: 7q34.
Variant type: Insertion.
Coding change: c.539_540insACA on transcript NM_002769.5 (MANE Select); coding-DNA positions 539 to 540, ACA inserted.
Protein change: p.Thr180_Ser181insHis.
Molecular consequence: inframe insertion. On other transcripts: non-coding transcript variant (5).
Genome position: GRCh38 VCF-style: chr7-142752515-C-CACA. GRCh37 (hg19) VCF-style: chr7-142460366-C-CACA.
Identifiers: ClinVar variation 4993887 (VCV004993887.1).

ClinVar aggregate classification (germline): Uncertain significance (1 of 4 stars; one submission).

Conditions:
PRSS1-related disorder. Also called: PRSS1-related condition.

Submission:

PreventionGenetics, part of Exact Sciences
Classification: Uncertain significance for PRSS1-related condition. Last evaluated: 2025-10-21. Review status: criteria provided, single submitter. Criteria: ACMG Guidelines, 2015. Collection method: clinical testing. Allele origin: germline.
Comment: The PRSS1 c.539_540insACA variant is predicted to result in an in-frame amino acid insertion (p.Thr180_Ser181insHis). To our knowledge, this variant has not been reported in the literature or in a large population database (gnomAD), indicating this variant is rare. At this time, the clinical significance of this variant is uncertain due to the absence of conclusive functional and genetic evidence.